The following is an entry in ClinVar:

NM_001080414.4(CCDC88C):c.343_367del (p.Lys115fs)

Gene: CCDC88C (coiled-coil and HOOK domain protein 88C; minus strand). Cytogenetic location: 14q32.11.
Variant type: Deletion.
Coding change: c.343_367del on transcript NM_001080414.4 (MANE Select); coding-DNA positions 343 to 367, 25 bases deleted (AAGAGCATGGAGGAAATCAAGAAGG).
Protein change: p.Lys115fs; shifts the reading frame from lysine 115.
Molecular consequence: frameshift variant.
Genome position (GRCh38, 1-based): chr14:91,343,631-91,343,655, CCTTCTTGATTTCCTCCATGCTCTT deleted on the plus strand (AAGAGCATGGAGGAAATCAAGAAGG on the coding strand, the reverse complement: CCDC88C is on the minus strand); deleting any 25 consecutive bases within chr14:91,343,631-91,343,657 gives the same sequence; the c. name uses the placement nearest the transcript's 3' end. VCF-style (leftmost placement, unchanged base first): chr14-91343630-ACCTTCTTGATTTCCTCCATGCTCTT-A. GRCh37 (hg19) VCF-style: chr14-91809974-ACCTTCTTGATTTCCTCCATGCTCTT-A.
Other names: short protein forms K115fs.
Identifiers: ClinVar variation 2852172 (VCV002852172.3), dbSNP rs2544478310, ClinGen allele CA2739279897.

ClinVar aggregate classification (germline): Pathogenic (1 of 4 stars; one submission).

Submission:

Labcorp Genetics (formerly Invitae), Labcorp
Classification: Pathogenic. Last evaluated: 2023-04-06. Review status: criteria provided, single submitter. Criteria: Invitae Variant Classification Sherloc (09022015). Collection method: clinical testing. Allele origin: germline.
Comment: For these reasons, this variant has been classified as Pathogenic. This variant is not present in population databases (gnomAD no frequency). This variant has not been reported in the literature in individuals affected with CCDC88C-related conditions. Algorithms developed to predict the effect of sequence changes on RNA splicing suggest that this variant may disrupt the consensus splice site. This sequence change creates a premature translational stop signal (p.Lys115Cysfs*40) in the CCDC88C gene. It is expected to result in an absent or disrupted protein product. Loss-of-function variants in CCDC88C are known to be pathogenic (PMID: 23042809, 29225145).

Literature cited by the submitters: PubMed 23042809; PubMed 29225145.